The following is an entry in ClinVar:

NM_001267550.2(TTN):c.40003G>A (p.Val13335Ile)

Gene: TTN (titin; minus strand). Cytogenetic location: 2q31.2.
Variant type: single nucleotide variant.
Coding change: c.40003G>A on transcript NM_001267550.2 (MANE Select); coding-DNA position 40003, G replaced by A.
Protein change: p.Val13335Ile; replaces valine 13335 with isoleucine.
Molecular consequence: missense variant. On other transcripts: intron variant (5).
Genome position (GRCh38, 1-based): chr2:178,649,302, C>T on the plus strand (G>A on the coding strand, the complement: TTN is on the minus strand). VCF-style: chr2-178649302-C-T. GRCh37 (hg19) VCF-style: chr2-179514029-C-T.
Other names: p.Val13335Ile; c.13283-6985G>A (NM_003319.4); c.13859-6985G>A (NM_133437.4); c.13658-6985G>A (NM_133432.3); c.32593+515G>A (NM_133378.4); c.35374+515G>A (NM_001256850.1); short protein forms V13335I.
Identifiers: ClinVar variation 4884857 (VCV004884857.1).

ClinVar aggregate classification (germline): Uncertain significance (1 of 4 stars; one submission).

Conditions:
Myopathy, myofibrillar, 9, with early respiratory failure (MFM9). Also called: EDSTROM MYOPATHY; MYOPATHY, PROXIMAL, WITH EARLY RESPIRATORY MUSCLE INVOLVEMENT; Hereditary myopathy with early respiratory failure; Myopathy, distal, with early respiratory failure, autosomal dominant. Identifiers: Orphanet 178464, Orphanet 34521, MedGen C1863599, MONDO:0011362, OMIM 603689.

Submission:

Foundation for Research in Genetics and Endocrinology, FRIGE's Institute of Human Genetics
Classification: Uncertain significance for Myopathy, myofibrillar, 9, with early respiratory failure. Last evaluated: 2026-07-24. Review status: criteria provided, single submitter. Criteria: ACMG Guidelines, 2015. Collection method: clinical testing. Allele origin: germline. Inheritance: Autosomal dominant inheritance. Affected: yes. Observed: 1 variant allele, 1 heterozygote.
Comment: A heterozygous missense variant in exon 213 of the TTN gene that results in the amino acid substitution of Isoleucine for Valine at codon 13335 (p.Val13335Ile) was detected. This variant has not been reported in the 1000 genomes, gnomAD (v3.1), gnomAD (v2.1) and topmed databases. The reference codon is conserved across species. In summary, the variant meets our criteria to be classified as variant of uncertain significance.